The following is an entry in ClinVar:

ClinVar aggregate classification (germline): Uncertain significance. Review status: criteria provided, multiple submitters, no conflicts (2 of 4 stars). 2 submissions from 2 submitters: Uncertain significance (2). Last evaluated 2025-03-27.

Allele frequency attached by ClinVar (database versions not stated): gnomAD exomes below 0.00001; TOPMed below 0.00001; ExAC 0.00001; gnomAD 0.00001.
gnomAD v4.1: 3 of 1,612,636 alleles (0.00019%); highest among the groups gnomAD compares: East Asian, 0.0022%; no homozygotes.

Submissions (2):

Ambry Genetics
Classification: Uncertain significance. Last evaluated: 2025-03-27. Review status: criteria provided, single submitter. Criteria: Ambry Variant Classification Scheme 2023. Collection method: clinical testing. Allele origin: germline.

Labcorp Genetics (formerly Invitae), Labcorp
Classification: Uncertain significance. Last evaluated: 2023-11-30. Review status: criteria provided, single submitter. Criteria: Invitae Variant Classification Sherloc (09022015). Collection method: clinical testing. Allele origin: germline.
Comment: This sequence change replaces leucine, which is neutral and non-polar, with serine, which is neutral and polar, at codon 978 of the RIMS1 protein (p.Leu978Ser). This variant is present in population databases (rs754857029, gnomAD 0.005%). This variant has not been reported in the literature in individuals affected with RIMS1-related conditions. An algorithm developed to predict the effect of missense changes on protein structure and function (PolyPhen-2) suggests that this variant is likely to be disruptive. In summary, the available evidence is currently insufficient to determine the role of this variant in disease. Therefore, it has been classified as a Variant of Uncertain Significance.

NM_014989.7(RIMS1):c.2933T>C (p.Leu978Ser)

Gene: RIMS1 (regulating synaptic membrane exocytosis 1; plus strand). Cytogenetic location: 6q13.
Variant type: single nucleotide variant.
Coding change: c.2933T>C on transcript NM_014989.7 (MANE Select); coding-DNA position 2933, T replaced by C.
Protein change: p.Leu978Ser; replaces leucine 978 with serine.
Molecular consequence: missense variant.
Genome position (GRCh38, 1-based): chr6:72,258,991, T>C. VCF-style: chr6-72258991-T-C. GRCh37 (hg19) VCF-style: chr6-72968694-T-C.
Other names: c.1352T>C, p.Leu451Ser (NM_001168407.2, NM_001350415.2, NM_001350418.2 and 19 more transcripts); c.1355T>C, p.Leu452Ser (NM_001168408.2, NM_001350414.2, NM_001350416.2 and 15 more transcripts); c.1112T>C, p.Leu371Ser (NM_001168409.2, NM_001350465.2, NM_001350466.2 and 3 more transcripts); c.1310T>C, p.Leu437Ser (NM_001168410.2, NM_001350470.2, NM_001350473.2 and 1 more transcripts); c.1283T>C, p.Leu428Ser (NM_001350421.2, NM_001350430.2, NM_001350450.2 and 2 more transcripts); c.2933T>C (NM_014989.4); c.1286T>C, p.Leu429Ser (NM_001350424.2, NM_001350428.2, NM_001350459.2 and 1 more transcripts); c.1109T>C, p.Leu370Ser (NM_001350468.2, NM_001350461.2, NM_001350463.2); and 1 more; short protein forms L429S, L437S, L978S, L370S, L428S, L371S, L436S, L452S.
Identifiers: ClinVar variation 2716742 (VCV002716742.4), dbSNP rs754857029, ClinGen allele CA3886088.
Genomic context (GRCh38, chr6:72,258,991, plus strand): 5'-CCTGTTTTGGGAAGATGATACAATTTGACACATAAGAATTTTGTAATCATTTTAGGAGTT[T>C]AGATGAAATTCATCCAACAAGAAGGTCACGTTCTCCAACCAGACACCATGATGCCTCCCG-3'
Protein context (NP_055804.2, residues 968-988): RLPNVPLQRS[Leu978Ser]DEIHPTRRSR